The following is an entry in ClinVar:

ClinVar aggregate classification (germline): Conflicting classifications of pathogenicity. Review status: criteria provided, conflicting classifications (1 of 4 stars). 2 submissions from 2 submitters: Uncertain significance (1); Likely benign (1). Last evaluated 2025-11-01.

Conditions:
Ullrich congenital muscular dystrophy 2 (UCMD2). Identifiers: Orphanet 75840, MedGen C4225314, MONDO:0014654, OMIM 616470.
Bethlem myopathy 2 (BTHLM2). Identifiers: Orphanet 536516, Orphanet 610, MedGen C4225313, MONDO:0034022, OMIM 616471.

Allele frequency attached by ClinVar (database versions not stated): 1000 Genomes Project 30x 0.00016; 1000 Genomes Project 0.00020.
gnomAD v4.1: 24 of 1,614,114 alleles (0.0015%); highest among the groups gnomAD compares: African/African-American, 0.004%; no homozygotes.

Submissions (2):

Labcorp Genetics (formerly Invitae), Labcorp
Classification: Likely benign for Bethlem myopathy 2; Ullrich congenital muscular dystrophy 2. Last evaluated: 2025-11-01. Review status: criteria provided, single submitter. Criteria: Invitae Variant Classification Sherloc (09022015). Collection method: clinical testing. Allele origin: germline.

GeneDx
Classification: Uncertain significance. Last evaluated: 2024-04-03. Review status: criteria provided, single submitter. Criteria: GeneDx Variant Classification Process June 2021. Collection method: clinical testing. Allele origin: germline. Affected: yes.
Comment: Has not been previously published as pathogenic or benign to our knowledge; In silico analysis supports that this missense variant does not alter protein structure/function

NM_004370.6(COL12A1):c.5960G>A (p.Arg1987His)

Gene: COL12A1 (collagen type XII alpha 1 chain; minus strand). Cytogenetic location: 6q13.
Variant type: single nucleotide variant.
Coding change: c.5960G>A on transcript NM_004370.6 (MANE Select); coding-DNA position 5960, G replaced by A.
Protein change: p.Arg1987His; replaces arginine 1987 with histidine.
Molecular consequence: missense variant.
Genome position (GRCh38, 1-based): chr6:75,130,959, C>T on the plus strand (G>A on the coding strand, the complement: COL12A1 is on the minus strand). VCF-style: chr6-75130959-C-T. GRCh37 (hg19) VCF-style: chr6-75840675-C-T.
Other names: c.5960G>A (NM_004370.5); c.5960G>A, p.Arg1987His (NM_001424113.1); c.5939G>A, p.Arg1980His (NM_001424114.1); c.5687G>A, p.Arg1896His (NM_001424115.1); c.2468G>A, p.Arg823His (NM_001424116.1, NM_080645.3); short protein forms R1896H, R1987H, R823H, R1980H.
Identifiers: ClinVar variation 2943849 (VCV002943849.4), dbSNP rs201827443, ClinGen allele CA3892943.